The following is an entry in ClinVar:

ClinVar aggregate classification (germline): Benign/Likely benign. Review status: criteria provided, multiple submitters, no conflicts (2 of 4 stars). 2 submissions from 2 submitters: Benign (1); Likely benign (1). Last evaluated 2023-03-01.

Allele frequency attached by ClinVar (database versions not stated): TOPMed 0.00005; ExAC 0.00007; gnomAD exomes 0.00007 and 0.00011; gnomAD 0.00009 and 0.00010.

Submissions (2):

CeGaT Center for Human Genetics Tuebingen
Classification: Likely benign. Last evaluated: 2023-03-01. Review status: criteria provided, single submitter. Criteria: CeGaT Center For Human Genetics Tuebingen Variant Classification Criteria Version 2. Collection method: clinical testing. Allele origin: germline. Affected: yes. Observed: 1 variant allele.
Comment: NAA10: BP4, BS2

Labcorp Genetics (formerly Invitae), Labcorp
Classification: Benign. Last evaluated: 2021-10-04. Review status: criteria provided, single submitter. Criteria: Invitae Variant Classification Sherloc (09022015). Collection method: clinical testing. Allele origin: germline.

NM_003491.4(NAA10):c.342-5T>C

Gene: NAA10 (N-alpha-acetyltransferase 10, NatA catalytic subunit; minus strand). Cytogenetic location: Xq28.
Variant type: single nucleotide variant.
Coding change: c.342-5T>C on transcript NM_003491.4 (MANE Select); 5 bases into the intron before coding-DNA position 342, T replaced by C.
Molecular consequence: intron variant.
Genome position (GRCh38, 1-based): chrX:153,932,120, A>G on the plus strand (T>C on the coding strand, the complement: NAA10 is on the minus strand). VCF-style: chrX-153932120-A-G. GRCh37 (hg19) VCF-style: chrX-153197573-A-G.
Other names: c.324-5T>C (NM_001256120.2); c.341+196T>C (NM_001256119.2).
Identifiers: ClinVar variation 1557790 (VCV001557790.31), dbSNP rs782523659, ClinGen allele CA10556170.